The following is an entry in ClinVar:

NM_001447.3(FAT2):c.6952G>A (p.Val2318Ile)

Genes: FAT2 (FAT atypical cadherin 2; minus strand), SLC36A1 (solute carrier family 36 member 1; plus strand). Cytogenetic location: 5q33.1.
Variant type: single nucleotide variant.
Coding change: c.6952G>A on transcript NM_001447.3 (MANE Select); coding-DNA position 6952, G replaced by A.
Protein change: p.Val2318Ile; replaces valine 2318 with isoleucine.
Molecular consequence: missense variant.
Genome position (GRCh38, 1-based): chr5:151,544,175, C>T on the plus strand (G>A on the coding strand, the complement: FAT2 is on the minus strand). VCF-style: chr5-151544175-C-T. GRCh37 (hg19) VCF-style: chr5-150923736-C-T.
Other names: c.6952G>A (NM_001447.2); short protein forms V2318I.
Identifiers: ClinVar variation 2999607 (VCV002999607.4), dbSNP rs1301389827, ClinGen allele CA361836986.
Genomic context (GRCh38, chr5:151,544,175, plus strand): 5'-CCAGTTCTTGAACTGTGGACATCTCCCCTGTGCTCCCATTGATCTGGAAGAACTTGGAAA[C>T]ATCTGAGCCATCCTCCACAATCTGATAAGAGACGTCACGGTTCCGCCCTGAGTCCTGGTC-3'
Protein context (NP_001438.1, residues 2308-2328): SYQIVEDGSD[Val2318Ile]SKFFQINGST

ClinVar aggregate classification (germline): Uncertain significance. Review status: criteria provided, multiple submitters, no conflicts (2 of 4 stars). 2 submissions from 2 submitters: Uncertain significance (2). Last evaluated 2025-10-06.

Allele frequency attached by ClinVar (database versions not stated): gnomAD exomes below 0.00001.
gnomAD v4.1: 5 of 1,614,190 alleles (0.00031%); highest among the groups gnomAD compares: Middle Eastern, 0.016%; no homozygotes.

Submissions (2):

Labcorp Genetics (formerly Invitae), Labcorp
Classification: Uncertain significance. Last evaluated: 2025-10-06. Review status: criteria provided, single submitter. Criteria: Invitae Variant Classification Sherloc (09022015). Collection method: clinical testing. Allele origin: germline.
Comment: This sequence change replaces valine, which is neutral and non-polar, with isoleucine, which is neutral and non-polar, at codon 2318 of the FAT2 protein (p.Val2318Ile). This variant is present in population databases (no rsID available, gnomAD 0.003%). This variant has not been reported in the literature in individuals affected with FAT2-related conditions. ClinVar contains an entry for this variant (Variation ID: 2999607). Invitae Evidence Modeling of protein sequence and biophysical properties (such as structural, functional, and spatial information, amino acid conservation, physicochemical variation, residue mobility, and thermodynamic stability) indicates that this missense variant is not expected to disrupt FAT2 protein function with a negative predictive value of 80%. In summary, the available evidence is currently insufficient to determine the role of this variant in disease. Therefore, it has been classified as a Variant of Uncertain Significance.

Ambry Genetics
Classification: Uncertain significance. Last evaluated: 2025-04-24. Review status: criteria provided, single submitter. Criteria: Ambry Variant Classification Scheme 2023. Collection method: clinical testing. Allele origin: germline.